The following is an entry in ClinVar:

ClinVar aggregate classification (germline): Likely pathogenic (1 of 4 stars; one submission).

Conditions:
Bifunctional peroxisomal enzyme deficiency (DBIF). Also called: DBP DEFICIENCY; PBFE DEFICIENCY; D-bifunctional protein deficiency. Identifiers: Orphanet 300, MedGen C0342870, MONDO:0009855, OMIM 261515. Disease mechanism: loss of function.

Submission:

Natera, Inc.
Classification: Likely pathogenic for Bifunctional peroxisomal enzyme deficiency. Last evaluated: 2025-08-25. Review status: criteria provided, single submitter. Criteria: Natera Variant Classification Schema (03/2026). Collection method: clinical testing. Allele origin: germline.
Comment: The c.1004_1005insA variant in HSD17B4 is a frameshift variant predicted to shift the reading frame beginning at codon 335 and leads to a stop codon 32 codons downstream. This variant is expected to result in nonsense mediated decay, truncation, or a dysfunctional protein product. This variant is rare in the general population with a frequency below the threshold expected for the associated phenotype(s). Given the available evidence, this variant is classified as Likely Pathogenic.

NM_000414.4(HSD17B4):c.1004_1005insA (p.Phe335fs)

Gene: HSD17B4 (hydroxysteroid 17-beta dehydrogenase 4; plus strand). Cytogenetic location: 5q23.1.
Variant type: Insertion.
Coding change: c.1004_1005insA on transcript NM_000414.4 (MANE Select); coding-DNA positions 1004 to 1005, A inserted.
Protein change: p.Phe335fs; shifts the reading frame from phenylalanine 335.
Molecular consequence: frameshift variant. On other transcripts: non-coding transcript variant (2).
Genome position: GRCh38 VCF-style: chr5-119499348-T-TA. GRCh37 (hg19) VCF-style: chr5-118835043-T-TA.
Other names: c.1079_1080insA, p.Phe360fs (NM_001199291.3); c.950_951insA, p.Phe317fs (NM_001199292.2); c.932_933insA, p.Phe311fs (NM_001292027.2); c.584_585insA, p.Phe195fs (NM_001292028.2); c.995_996insA, p.Phe332fs (NM_001374497.1); c.1004_1005insA, p.Phe335fs (NM_001374498.1); c.677_678insA, p.Phe226fs (NM_001374499.1); c.563_564insA, p.Phe188fs (NM_001374500.1); and 1 more; short protein forms F188fs, F195fs, F198fs, F226fs, F311fs, F317fs, F332fs, F335fs.
Identifiers: ClinVar variation 4818335 (VCV004818335.1).